The following is an entry in ClinVar:

ClinVar aggregate classification (germline): Conflicting classifications of pathogenicity. Review status: criteria provided, conflicting classifications (1 of 4 stars). 2 submissions from 2 submitters: Uncertain significance (1); Likely benign (1). Last evaluated 2023-09-10.

Conditions:
Inborn genetic diseases. Identifiers: MedGen C0950123, MeSH D030342.
Charcot-Marie-Tooth disease axonal type 2L. Also called: Charcot-Marie-Tooth Neuropathy Type 2L; CHARCOT-MARIE-TOOTH DISEASE, AXONAL, AUTOSOMAL DOMINANT, TYPE 2L; CHARCOT-MARIE-TOOTH NEUROPATHY, AXONAL, TYPE 2L. Identifiers: Orphanet 99945, MedGen C1837552, MONDO:0012096, OMIM 608673.

Allele frequency attached by ClinVar (database versions not stated): TOPMed 0.00007.
gnomAD v4.1: 13 of 1,612,078 alleles (0.00081%); highest among the groups gnomAD compares: East Asian, 0.025%; no homozygotes.

Submissions (2):

Labcorp Genetics (formerly Invitae), Labcorp
Classification: Uncertain significance for Charcot-Marie-Tooth disease axonal type 2L. Last evaluated: 2023-09-10. Review status: criteria provided, single submitter. Criteria: Invitae Variant Classification Sherloc (09022015). Collection method: clinical testing. Allele origin: germline.
Comment: An algorithm developed to predict the effect of missense changes on protein structure and function (PolyPhen-2) suggests that this variant is likely to be tolerated. This sequence change replaces proline, which is neutral and non-polar, with glutamine, which is neutral and polar, at codon 89 of the HSPB8 protein (p.Pro89Gln). This variant is present in population databases (rs35909818, gnomAD 0.05%). This missense change has been observed in individual(s) with clinical features of HSPB8-related conditions (Invitae). ClinVar contains an entry for this variant (Variation ID: 464509). In summary, the available evidence is currently insufficient to determine the role of this variant in disease. Therefore, it has been classified as a Variant of Uncertain Significance.

Ambry Genetics
Classification: Likely benign for Inborn genetic diseases. Last evaluated: 2023-04-17. Review status: criteria provided, single submitter. Criteria: Ambry Variant Classification Scheme 2023. Collection method: clinical testing. Allele origin: germline.

NM_014365.3(HSPB8):c.266C>A (p.Pro89Gln)

Gene: HSPB8 (heat shock protein family B (small) member 8; plus strand). Cytogenetic location: 12q24.23.
Variant type: single nucleotide variant.
Coding change: c.266C>A on transcript NM_014365.3 (MANE Select); coding-DNA position 266, C replaced by A.
Protein change: p.Pro89Gln; replaces proline 89 with glutamine.
Molecular consequence: missense variant.
Genome position (GRCh38, 1-based): chr12:119,179,578, C>A. VCF-style: chr12-119179578-C-A. GRCh37 (hg19) VCF-style: chr12-119617383-C-A.
Other names: short protein forms P89Q.
Identifiers: ClinVar variation 464509 (VCV000464509.10), dbSNP rs35909818, ClinGen allele CA6819539.